The following is an entry in ClinVar:

ClinVar aggregate classification (germline): Benign. Review status: criteria provided, multiple submitters, no conflicts (2 of 4 stars). 4 submissions from 4 submitters: Benign (3). 1 of the submissions does not count toward it. Last evaluated 2026-02-04.

Conditions:
CIZ1-related disorder. Also called: CIZ1-related condition.
Dystonic disorder. Also called: Dystonia. Identifiers: MedGen C0013421, MONDO:0003441, HP:0001332.

Allele frequency attached by ClinVar (database versions not stated): 1000 Genomes Project 30x 0.05356; 1000 Genomes Project 0.05451; TOPMed 0.08212; gnomAD exomes 0.09645 and 0.12298; ExAC 0.09895; ESP Exome Variant Server 0.09895.
gnomAD v4.1: 192,688 of 1,613,794 alleles (12%); highest among the groups gnomAD compares: Non-Finnish European, 14%; 12,796 homozygotes.

Submissions (4):

Labcorp Genetics (formerly Invitae), Labcorp
Classification: Benign for Dystonic disorder. Last evaluated: 2026-02-04. Review status: criteria provided, single submitter. Criteria: Invitae Variant Classification Sherloc (09022015). Collection method: clinical testing. Allele origin: germline.

GeneDx
Classification: Benign. Last evaluated: 2018-07-09. Review status: criteria provided, single submitter. Criteria: GeneDx Variant Classification Process June 2021. Collection method: clinical testing. Allele origin: germline. Affected: yes.

Breakthrough Genomics
Classification: Benign. Review status: criteria provided, single submitter. Criteria: ACMG Guidelines, 2015. Collection method: not provided. Allele origin: germline. Inheritance: Unknown mechanism. Affected: yes.

PreventionGenetics, part of Exact Sciences
Classification: Benign for CIZ1-related condition. Last evaluated: 2019-10-22. Review status: no assertion criteria provided. Collection method: clinical testing. Allele origin: germline. Not counted in ClinVar's aggregate classification.
Comment: This variant is classified as benign based on ACMG/AMP sequence variant interpretation guidelines (Richards et al. 2015 PMID: 25741868, with internal and published modifications).

NM_001131016.2(CIZ1):c.1912G>A (p.Val638Met)

Gene: CIZ1 (CDKN1A interacting zinc finger protein 1; minus strand). Cytogenetic location: 9q34.11.
Variant type: single nucleotide variant.
Coding change: c.1912G>A on transcript NM_001131016.2 (MANE Select); coding-DNA position 1912, G replaced by A.
Protein change: p.Val638Met; replaces valine 638 with methionine.
Molecular consequence: missense variant.
Genome position (GRCh38, 1-based): chr9:128,176,382, C>T on the plus strand (G>A on the coding strand, the complement: CIZ1 is on the minus strand). VCF-style: chr9-128176382-C-T. GRCh37 (hg19) VCF-style: chr9-130938661-C-T.
Other names: c.1744G>A, p.Val582Met (NM_001131015.2); c.1729G>A, p.Val577Met (NM_001131017.2); c.1672G>A, p.Val558Met (NM_001131018.2); c.2002G>A, p.Val668Met (NM_001257975.2); c.1609G>A, p.Val537Met (NM_001257976.2); c.1912G>A, p.Val638Met (NM_012127.3); short protein forms V537M, V558M, V577M, V582M, V638M, V668M.
Identifiers: ClinVar variation 1166340 (VCV001166340.14), dbSNP rs11549266, ClinGen allele CA5257209.
Genomic context (GRCh38, chr9:128,176,382, plus strand): 5'-ACACAGAGCTTCCACGATCCCCCACTCACTCATCCTCTGTCTCCAGGACGTCCCGGGGCA[C>T]GGGCAGCAGGGACAGGAGGCAGGCTTGGCTCATGTGCTGGATCTCCCCTAGCCGCTGCTG-3'
Protein context (NP_001124488.1, residues 628-648): SQACLLSLLP[Val638Met]PRDVLETEDE